The following is an entry in ClinVar:

ClinVar aggregate classification (germline): Uncertain significance (1 of 4 stars; one submission).

Conditions:
Hereditary cancer-predisposing syndrome. Also called: Neoplastic Syndromes, Hereditary; Tumor predisposition; Hereditary neoplastic syndrome; Hereditary Cancer Syndrome. Identifiers: Orphanet 140162, MedGen C0027672, MeSH D009386, MONDO:0015356.

Submission:

Ambry Genetics
Classification: Uncertain significance for Hereditary cancer-predisposing syndrome. Last evaluated: 2026-07-06. Review status: criteria provided, single submitter. Criteria: Ambry Variant Classification Scheme 2023. Collection method: clinical testing. Allele origin: germline.
Comment: The p.I707N variant (also known as c.2120T>A), located in coding exon 13 of the CDH1 gene, results from a T to A substitution at nucleotide position 2120. The isoleucine at codon 707 is replaced by asparagine, an amino acid with dissimilar properties. This amino acid position is conserved. In addition, this alteration is predicted to be tolerated by in silico analysis. Based on the available evidence, the clinical significance of this variant remains unclear.

NM_004360.5(CDH1):c.2120T>A (p.Ile707Asn)

Gene: CDH1 (cadherin 1; plus strand). Cytogenetic location: 16q22.1.
Variant type: single nucleotide variant.
Coding change: c.2120T>A on transcript NM_004360.5 (MANE Select); coding-DNA position 2120, T replaced by A.
Protein change: p.Ile707Asn; replaces isoleucine 707 with asparagine.
Molecular consequence: missense variant.
Genome position (GRCh38, 1-based): chr16:68,823,582, T>A. VCF-style: chr16-68823582-T-A. GRCh37 (hg19) VCF-style: chr16-68857485-T-A.
Other names: c.1937T>A, p.Ile646Asn (NM_001317184.2); c.572T>A, p.Ile191Asn (NM_001317185.2); c.155T>A, p.Ile52Asn (NM_001317186.2); short protein forms I52N, I646N, I191N, I707N.
Identifiers: ClinVar variation 5033925 (VCV005033925.1).